The following is an entry in ClinVar:

ClinVar aggregate classification (germline): Pathogenic. Review status: criteria provided, multiple submitters, no conflicts (2 of 4 stars). 2 submissions from 2 submitters: Pathogenic (2). Last evaluated 2024-09-22.

Conditions:
X-linked Alport syndrome (ATS1). Also called: COL4A5-Related Nephropathy; NEPHROPATHY AND DEAFNESS, X-LINKED. Identifiers: Orphanet 63, Orphanet 88917, MedGen C4746986, MONDO:0010520, OMIM 301050.

Submissions (2):

Victorian Clinical Genetics Services, Murdoch Childrens Research Institute
Classification: Pathogenic for X-linked Alport syndrome. Last evaluated: 2024-09-22. Review status: criteria provided, single submitter. Criteria: ACMG Guidelines, 2015. Collection method: clinical testing. Allele origin: germline. Inheritance: X-linked dominant inheritance. Affected: yes.
Comment: Based on the classification scheme VCGS_Germline_v1.3.4, this variant is classified as Pathogenic. The following criteria are met: 0103 - Dominant negative and loss of function are known mechanisms of disease in this gene and are associated with X-linked Alport syndrome 1 (MIM#301050). Dominant negative is caused mostly by glycine substitutions that affect the conformation of the protein, and loss of function can be caused by either protein truncating or missense variants (PMID: 24046192, 12028435). (I) 0110 - This gene is associated with X-linked dominant disease. Males are typically more severely affected than females (PMID: 19965530). (I) 0200 - Variant is predicted to result in a missense amino acid change from glycine to valine. (I) 0251 - This variant is heterozygous. (I) 0301 - Variant is absent from gnomAD (both v2 and v3). (SP) 0501 - Missense variant consistently predicted to be damaging by multiple in silico tools or highly conserved with a major amino acid change. (SP) 0601 - Variant is located in the well-established functional Gly-X-Y motif and affects a glycine residue (DECIPHER). (SP) 0702 - Other missense variants comparable to the one identified in this case have strong previous evidence for pathogenicity. p.(Gly1235Ala) was identified in two unrelated males with X-linked Alport syndrome (PMID: 30577881, 37097554). p.(Gly1235Cys) has been classified as likely pathogenic by a clinical laboratory in ClinVar. (SP) 0803 - This variant has limited previous evidence of pathogenicity in an unrelated individual. This variant was classified as pathogenic by a clinical laboratory in ClinVar. (SP) 0905 - No published segregation evidence has been identified for this variant. (I) 1007 - No published functional evidence has been identified for this variant. (I) 1208 - Inheritance information for this variant is not currently available in this individual. (I) Legend: (SP) - Supporting pathogenic, (I) - Information, (SB) - Supporting benign

GeneDx
Classification: Pathogenic. Last evaluated: 2022-07-06. Review status: criteria provided, single submitter. Criteria: GeneDx Variant Classification Process June 2021. Collection method: clinical testing. Allele origin: germline. Affected: yes.
Comment: Affects a glycine residue in a Gly-X-Y motif in the triple helical region of the COL4A5 gene, where the majority of pathogenic missense variants occur, and is predicted to disrupt normal protein folding and function (Stenson et al., 2014; Jais et al., 2000); Not observed at significant frequency in large population cohorts (gnomAD); In silico analysis supports that this missense variant has a deleterious effect on protein structure/function; This variant is associated with the following publications: (PMID: 24077912, 10752524, 32939031)

Literature cited by the submitters: PubMed 12028435 (cited by Victorian Clinical Genetics Services, Murdoch Childrens Research Institute); PubMed 19965530 (cited by Victorian Clinical Genetics Services, Murdoch Childrens Research Institute); PubMed 24046192 (cited by Victorian Clinical Genetics Services, Murdoch Childrens Research Institute); PubMed 30577881 (cited by Victorian Clinical Genetics Services, Murdoch Childrens Research Institute); PubMed 37097554 (cited by Victorian Clinical Genetics Services, Murdoch Childrens Research Institute).

NM_033380.3(COL4A5):c.3704G>T (p.Gly1235Val)

Gene: COL4A5 (collagen type IV alpha 5 chain; plus strand). Cytogenetic location: Xq22.3.
Variant type: single nucleotide variant.
Coding change: c.3704G>T on transcript NM_033380.3 (MANE Select); coding-DNA position 3704, G replaced by T.
Protein change: p.Gly1235Val; replaces glycine 1235 with valine.
Molecular consequence: missense variant.
Genome position (GRCh38, 1-based): chrX:108,668,418, G>T. VCF-style: chrX-108668418-G-T. GRCh37 (hg19) VCF-style: chrX-107911648-G-T.
Other names: c.3704G>T, p.Gly1235Val (NM_000495.5); c.3704G>T (NM_033380.2); short protein forms G1235V.
Identifiers: ClinVar variation 975852 (VCV000975852.6), dbSNP rs2068130178, ClinGen allele CA413848843.